The following is an entry in ClinVar:

ClinVar aggregate classification (germline): Uncertain significance. Review status: criteria provided, multiple submitters, no conflicts (2 of 4 stars). 3 submissions from 3 submitters: Uncertain significance (3). Last evaluated 2024-11-04.

Conditions:
Peutz-Jeghers syndrome (PJS). Also called: POLYPOSIS, HAMARTOMATOUS INTESTINAL; POLYPS-AND-SPOTS SYNDROME; Peutz-Jeghers polyposis; Periorificial lentiginosis syndrome. Identifiers: Orphanet 2869, MedGen C0031269, MeSH D010580, MONDO:0008280, OMIM 175200.
Hereditary cancer-predisposing syndrome. Also called: Neoplastic Syndromes, Hereditary; Hereditary Cancer Syndrome; Tumor predisposition; Hereditary neoplastic syndrome. Identifiers: Orphanet 140162, MedGen C0027672, MeSH D009386, MONDO:0015356.

Submissions (3):

Labcorp Genetics (formerly Invitae), Labcorp
Classification: Uncertain significance for Peutz-Jeghers syndrome. Last evaluated: 2024-11-04. Review status: criteria provided, single submitter. Criteria: Invitae Variant Classification Sherloc (09022015). Collection method: clinical testing. Allele origin: germline.
Comment: This variant, c.1232_1243del, results in the deletion of 4 amino acid(s) of the STK11 protein (p.Pro411_Ala414del), but otherwise preserves the integrity of the reading frame. This variant is present in population databases (no rsID available, gnomAD 0.01%). This variant has not been reported in the literature in individuals affected with STK11-related conditions. ClinVar contains an entry for this variant (Variation ID: 2566481). Experimental studies and prediction algorithms are not available or were not evaluated, and the functional significance of this variant is currently unknown. In summary, the available evidence is currently insufficient to determine the role of this variant in disease. Therefore, it has been classified as a Variant of Uncertain Significance.

All of Us Research Program, National Institutes of Health
Classification: Uncertain significance for Peutz-Jeghers syndrome. Last evaluated: 2023-11-30. Review status: criteria provided, single submitter. Criteria: ACMG Guidelines, 2015. Collection method: clinical testing. Allele origin: germline. Inheritance: Autosomal dominant inheritance. Observed: 1 variant allele, 1 heterozygote.
Comment: This study involves interpretation of variants in research participants for the purpose of population health screening. Participant phenotype was not available at the time of variant classification. Additional details can be found in publication PMID: 35346344, PMCID: PMC8962531

Ambry Genetics
Classification: Uncertain significance for Hereditary cancer-predisposing syndrome. Last evaluated: 2023-06-01. Review status: criteria provided, single submitter. Criteria: Ambry Variant Classification Scheme 2023. Collection method: clinical testing. Allele origin: germline.
Comment: The c.1232_1243del12 variant (also known as p.P411_A414del) is located in coding exon 9 of the STK11 gene. This variant results from an in-frame CCAACCCTGCCC deletion at nucleotide positions 1232 to 1243. This results in the in-frame deletion of proline, asparagine, proline, and alanine at codons 411 to 414. This amino acid region is generally not well conserved in available vertebrate species. In addition, this alteration is predicted to be neutral by in silico analysis (Choi Y et al. PLoS ONE. 2012; 7(10):e46688). Since supporting evidence is limited at this time, the clinical significance of this alteration remains unclear.

NM_000455.5(STK11):c.1232_1243del (p.Pro411_Ala414del)

Gene: STK11 (serine/threonine kinase 11; plus strand). Cytogenetic location: 19p13.3.
Variant type: Deletion.
Coding change: c.1232_1243del on transcript NM_000455.5 (MANE Select); coding-DNA positions 1232 to 1243, 12 bases deleted (CCAACCCTGCCC).
Protein change: p.Pro411_Ala414del.
Molecular consequence: inframe deletion. On other transcripts: non-coding transcript variant (1), inframe indel (1).
Genome position (GRCh38, 1-based): chr19:1,226,577-1,226,588, CCAACCCTGCCC deleted; deleting any 12 consecutive bases within chr19:1,226,573-1,226,588 gives the same sequence; the c. name uses the placement nearest the transcript's 3' end. VCF-style (leftmost placement, unchanged base first): chr19-1226572-GGCCCCCAACCCT-G. GRCh37 (hg19) VCF-style: chr19-1226571-GGCCCCCAACCCT-G.
Other names: c.1232_1243del12 (NM_000455.4).
Identifiers: ClinVar variation 2566481 (VCV002566481.5), dbSNP rs1345292099, ClinGen allele CA631034244.